The following is an entry in ClinVar:

NM_002609.4(PDGFRB):c.1811G>T (p.Arg604Leu)

Gene: PDGFRB (platelet derived growth factor receptor beta; minus strand). Cytogenetic location: 5q32.
Variant type: single nucleotide variant.
Coding change: c.1811G>T on transcript NM_002609.4 (MANE Select); coding-DNA position 1811, G replaced by T.
Protein change: p.Arg604Leu; replaces arginine 604 with leucine.
Molecular consequence: missense variant.
Genome position (GRCh38, 1-based): chr5:150,124,828, C>A on the plus strand (G>T on the coding strand, the complement: PDGFRB is on the minus strand). VCF-style: chr5-150124828-C-A. GRCh37 (hg19) VCF-style: chr5-149504391-C-A.
Other names: c.1619G>T, p.Arg540Leu (NM_001355016.2); c.1328G>T, p.Arg443Leu (NM_001355017.2); short protein forms R443L, R540L, R604L.
Identifiers: ClinVar variation 4881030 (VCV004881030.2).
Genomic context (GRCh38, chr5:150,124,828, plus strand): 5'-TGGCTCAGGCCATGAGCCGTGGCCTCCACCACCTGCCCAAAGGCCCCAGAGCCGAGGGTG[C>A]GTCCTGGTGCAGAGATGATCCATTAGCTCCTGGCCTACCAGGAAGCTGCACCGCTCCCCC-3'
Protein context (NP_002600.1, residues 594-614): ELPRDQLVLG[Arg604Leu]TLGSGAFGQV

ClinVar aggregate classification (germline): Uncertain significance (1 of 4 stars; one submission).

Submission:

Dasa
Classification: Uncertain significance. Last evaluated: 2025-06-28. Review status: criteria provided, single submitter. Criteria: DASA Assertion Criteria. Collection method: clinical testing. Allele origin: germline.
Comment: NM_002609.4(PDGFRB):c.1811G>T (p.Arg604Leu) is a missense variant that results in the substitution of arginine with leucine. This variant is rare in population databases. Computational prediction algorithms are consistent with a deleterious effect. The currently available literature and clinical evidence are not sufficient to establish a definitive association between this variant and the reported condition. Therefore, this variant is classified as a variant of uncertain significance.